The following is an entry in ClinVar:

ClinVar aggregate classification (germline): Uncertain significance (1 of 4 stars; one submission).

Conditions:
Inborn genetic diseases. Identifiers: MedGen C0950123, MeSH D030342.

Submission:

Ambry Genetics
Classification: Uncertain significance for Inborn genetic diseases. Last evaluated: 2025-12-22. Review status: criteria provided, single submitter. Criteria: Ambry Variant Classification Scheme 2023. Collection method: clinical testing. Allele origin: germline.
Comment: The p.R315S variant (also known as c.945A>T), located in coding exon 3 of the MBD4 gene, results from an A to T substitution at nucleotide position 945. The arginine at codon 315 is replaced by serine, an amino acid with dissimilar properties. This amino acid position is conserved. In addition, this alteration is predicted to be tolerated by in silico analysis. Based on the available evidence, the clinical significance of this variant remains unclear.

NM_001276270.2(MBD4):c.945A>T (p.Arg315Ser)

Gene: MBD4 (methyl-CpG binding domain 4, DNA glycosylase; minus strand). Cytogenetic location: 3q21.3.
Variant type: single nucleotide variant.
Coding change: c.945A>T on transcript NM_001276270.2 (MANE Select); coding-DNA position 945, A replaced by T.
Protein change: p.Arg315Ser; replaces arginine 315 with serine.
Molecular consequence: missense variant. On other transcripts: intron variant (1).
Genome position (GRCh38, 1-based): chr3:129,436,699, T>A on the plus strand (A>T on the coding strand, the complement: MBD4 is on the minus strand). VCF-style: chr3-129436699-T-A. GRCh37 (hg19) VCF-style: chr3-129155542-T-A.
Other names: c.945A>T, p.Arg315Ser (NM_001276271.2, NM_001276272.2, NM_003925.3); c.247+1109A>T (NM_001276273.2); short protein forms R315S.
Identifiers: ClinVar variation 4844102 (VCV004844102.1).